The following is an entry in ClinVar:

NM_001048174.2(MUTYH):c.542A>G (p.Gln181Arg)

Gene: MUTYH (mutY DNA glycosylase; minus strand). Cytogenetic location: 1p34.1.
Variant type: single nucleotide variant.
Coding change: c.542A>G on transcript NM_001048174.2 (MANE Select); coding-DNA position 542, A replaced by G.
Protein change: p.Gln181Arg; replaces glutamine 181 with arginine.
Molecular consequence: missense variant. On other transcripts: non-coding transcript variant (7).
Genome position (GRCh38, 1-based): chr1:45,332,638, T>C on the plus strand (A>G on the coding strand, the complement: MUTYH is on the minus strand). VCF-style: chr1-45332638-T-C. GRCh37 (hg19) VCF-style: chr1-45798310-T-C.
Other names: c.542A>G, p.Gln181Arg (NM_001048171.2, NM_001048173.2, NM_001407070.1 and 6 more transcripts); c.545A>G, p.Gln182Arg (NM_001048172.2, NM_001407071.1, NM_001407078.1 and 1 more transcripts); c.575A>G, p.Gln192Arg (NM_001407069.1, NM_001407077.1, NM_001293191.2); c.458A>G, p.Gln153Arg (NM_001407075.1); c.503A>G, p.Gln168Arg (NM_001407079.1); c.500A>G, p.Gln167Arg (NM_001407080.1); c.626A>G, p.Gln209Arg (NM_001128425.2); c.587A>G, p.Gln196Arg (NM_001293190.2); and 5 more; short protein forms Q167R, Q168R, Q181R, Q206R, Q182R, Q66R, Q153R, Q195R.
Identifiers: ClinVar variation 4112898 (VCV004112898.1).
Genomic context (GRCh38, chr1:45,332,638, plus strand): 5'-CCAAAGGCGATAGAGGCAATGGCCCCAGCTGTGTAGCGCCCCACGCCAGGCAGGAGCTGC[T>C]GCAGGGTCTCTGCTGTACGTGGCATGTGGCCCCCTAGCTCCTCTACCACCTGATTGGAGT-3'
Protein context (NP_001041639.1, residues 171-191): GHMPRTAETL[Gln181Arg]QLLPGVGRYT

ClinVar aggregate classification (germline): Uncertain significance (1 of 4 stars; one submission).

Conditions:
Hereditary cancer-predisposing syndrome. Also called: Tumor predisposition; Neoplastic Syndromes, Hereditary; Hereditary neoplastic syndrome; Hereditary Cancer Syndrome. Identifiers: Orphanet 140162, MedGen C0027672, MeSH D009386, MONDO:0015356.

Submission:

Ambry Genetics
Classification: Uncertain significance for Hereditary cancer-predisposing syndrome. Last evaluated: 2025-07-28. Review status: criteria provided, single submitter. Criteria: Ambry Variant Classification Scheme 2023. Collection method: clinical testing. Allele origin: germline.
Comment: The p.Q209R variant (also known as c.626A>G), located in coding exon 8 of the MUTYH gene, results from an A to G substitution at nucleotide position 626. The glutamine at codon 209 is replaced by arginine, an amino acid with highly similar properties. This amino acid position is conserved. In addition, this alteration is predicted to be tolerated by in silico analysis. Based on the available evidence, the clinical significance of this variant remains unclear.